The following is an entry in ClinVar:

NM_000038.6(APC):c.295C>T (p.Arg99Trp)

Gene: APC (APC regulator of Wnt signaling pathway; plus strand). Cytogenetic location: 5q22.2.
Variant type: single nucleotide variant.
Coding change: c.295C>T on transcript NM_000038.6 (MANE Select); coding-DNA position 295, C replaced by T.
Protein change: p.Arg99Trp; replaces arginine 99 with tryptophan.
Molecular consequence: missense variant. On other transcripts: 5 prime UTR variant (1).
Genome position (GRCh38, 1-based): chr5:112,767,263, C>T. VCF-style: chr5-112767263-C-T. GRCh37 (hg19) VCF-style: chr5-112102960-C-T.
Other names: p.R99W:CGG>TGG; NM_000038.6(APC):c.295C>T; c.295C>T, p.Arg99Trp (NM_001127510.3, NM_001354895.2, NM_001354896.2 and 2 more transcripts); c.325C>T, p.Arg109Trp (NM_001127511.3, NM_001354897.2, NM_001354902.2); c.220C>T, p.Arg74Trp (NM_001354898.2, NM_001354904.2); c.118C>T, p.Arg40Trp (NM_001354900.2, NM_001354901.2, NM_001354905.2); c.-741C>T (NM_001354906.2); short protein forms R99W, R109W, R74W, R40W.
Identifiers: ClinVar variation 135695 (VCV000135695.94), dbSNP rs139196838, ClinGen allele CA007948.

ClinVar aggregate classification (germline): Benign. Review status: reviewed by expert panel (3 of 4 stars). 26 submissions from 26 submitters: Benign (1). 25 of the submissions do not count toward it. Last evaluated 2023-02-18.

Conditions:
Classic or attenuated familial adenomatous polyposis. Identifiers: MedGen CN372698, MONDO:0021057.
Inherited polyposis and early onset colorectal cancer - germline testing.
APC-related disorder. Also called: APC-related condition.
Hereditary cancer-predisposing syndrome. Also called: Neoplastic Syndromes, Hereditary; Tumor predisposition; Hereditary neoplastic syndrome; Hereditary Cancer Syndrome. Identifiers: Orphanet 140162, MedGen C0027672, MeSH D009386, MONDO:0015356.
Familial adenomatous polyposis 1 (FAP1). Also called: POLYPOSIS, ADENOMATOUS INTESTINAL; FAMILIAL ADENOMATOUS POLYPOSIS 1, ATTENUATED. Identifiers: MedGen C2713442, MONDO:0021056, OMIM 175100. Disease mechanism: loss of function.
Colorectal cancer, susceptibility to. Identifiers: MedGen C1858438.
Carcinoma of colon (CRC). Also called: Colonic carcinoma; Colon carcinoma. Identifiers: MedGen C0699790, MONDO:0002032.

Allele frequency attached by ClinVar (database versions not stated): 1000 Genomes Project below 0.00001; ExAC 0.00040; gnomAD 0.00044 and 0.00048; TOPMed 0.00048; gnomAD exomes 0.00082; ESP Exome Variant Server 0.00092.
gnomAD v4.1: 1,256 of 1,613,920 alleles (0.078%); highest among the groups gnomAD compares: Non-Finnish European, 0.1%; 1 homozygote.

Submissions 1 to 18 of 26:

ClinGen InSiGHT Hereditary Colorectal Cancer/Polyposis Variant Curation Expert Panel
Classification: Benign for Familial adenomatous polyposis 1. Last evaluated: 2023-02-18. Review status: reviewed by expert panel. Criteria: ClinGen InSiGHT HCCP VCEP ACMG Specifications APC V1. Collection method: curation. Allele origin: germline. Inheritance: Autosomal dominant inheritance.
Comment: The c.295C>T variant in APC is a missense variant predicted to cause substitution of Arginine by Tryptophan at amino acid position 99 (p.Arg99Trp). APC is defined by the ClinGen InSiGHT Hereditary Colorectal Cancer/Polyposis Variant Curation Expert Panel (HCCP VCEP) as a gene for which primarily truncating variants are known to cause disease (BP1). The highest population minor allele frequency of the variant c.295C>T in gnomAD v2.1.1 (non-cancer) is 0.0007355 (95/129170 alleles) in the European (non-Finnish) population, which is higher than the HCCP VCEP threshold (0.001%) for BS1 (BS1). This variant has been observed in heterozygous state in more than 1000 healthy unrelated adult individuals worth more than 10 healthy individual points in total (BS2; Invitae and Ambry Genetics internal data). It has also been observed once in a homozygous state (Ambry Genetics internal data). This variant has been observed 4 times with other APC variants deemed (likely) pathogenic by the HCCP VCEP in individuals with FAP (BP2; PMIDs 23159591, 25604157, Bonn internal data). Finally, this variant has been observed in 6 patients with an alternate molecular basis for disease (BP5; Leiden University Medical Center internal data). In summary, this variant meets the criteria to be classified as Benign for FAP based on the ACMG/AMP criteria applied, as specified by the HCCP VCEP: BS1, BS2, BP1, BP2 (VCEP specifications version 1; date of approval 12/12/2022).

CeGaT Center for Human Genetics Tuebingen
Classification: Benign. Last evaluated: 2026-09-01. Review status: criteria provided, single submitter. Criteria: CeGaT Center For Human Genetics Tuebingen Variant Classification Criteria Version 2. Collection method: clinical testing. Allele origin: germline. Affected: yes. Observed: 12 variant alleles. Not counted in ClinVar's aggregate classification.
Comment: APC: BP1, BP2, BS3:Supporting, BS1

Genomics and Molecular Medicine Service, East Genomic Laboratory Hub, NHS Genomic Medicine Service
Classification: Benign for Inherited polyposis and early onset colorectal cancer - germline testing. Last evaluated: 2026-04-16. Review status: criteria provided, single submitter. Criteria: ACGS Best Practice Guidelines for Variant Classification in Rare Disease 2020. Collection method: clinical testing. Allele origin: germline. Affected: yes. Not counted in ClinVar's aggregate classification.
Comment: BS2_Strong,BS1_Strong,BP2_Strong,BP1

Labcorp Genetics (formerly Invitae), Labcorp
Classification: Benign for Familial adenomatous polyposis 1. Last evaluated: 2026-02-03. Review status: criteria provided, single submitter. Criteria: Invitae Variant Classification Sherloc (09022015). Collection method: clinical testing. Allele origin: germline. Not counted in ClinVar's aggregate classification.

PreventionGenetics, part of Exact Sciences
Classification: Likely benign for APC-related condition. Last evaluated: 2025-03-28. Review status: criteria provided, single submitter. Criteria: ACMG Guidelines, 2015. Collection method: clinical testing. Allele origin: germline. Not counted in ClinVar's aggregate classification.
Comment: This variant is classified as likely benign based on ACMG/AMP sequence variant interpretation guidelines (Richards et al. 2015 PMID: 25741868, with internal and published modifications).

Center for Genomic Medicine, Rigshospitalet, Copenhagen University Hospital
Classification: Benign. Last evaluated: 2025-03-04. Review status: criteria provided, single submitter. Criteria: ACMG Guidelines, 2015. Collection method: clinical testing. Allele origin: germline. Not counted in ClinVar's aggregate classification.

Molecular Pathology, Peter Maccallum Cancer Centre
Classification: Benign for Familial adenomatous polyposis 1. Last evaluated: 2025-01-13. Review status: criteria provided, single submitter. Criteria: ACMG Guidelines, 2015. Collection method: clinical testing. Allele origin: germline. Inheritance: Autosomal dominant inheritance. Not counted in ClinVar's aggregate classification.

ARUP Laboratories, Molecular Genetics and Genomics, ARUP Laboratories
Classification: Likely benign. Last evaluated: 2024-12-03. Review status: criteria provided, single submitter. Criteria: ARUP Molecular Germline Variant Investigation Process 2024. Collection method: clinical testing. Allele origin: germline. Not counted in ClinVar's aggregate classification.

Blueprint Genetics
Classification: Likely benign. Last evaluated: 2024-10-21. Review status: criteria provided, single submitter. Criteria: ACMG Guidelines, 2015. Collection method: clinical testing. Allele origin: germline. Not counted in ClinVar's aggregate classification.

All of Us Research Program, National Institutes of Health
Classification: Likely benign for Classic or attenuated familial adenomatous polyposis. Last evaluated: 2024-09-23. Review status: criteria provided, single submitter. Criteria: ACMG Guidelines, 2015. Collection method: clinical testing. Allele origin: germline. Inheritance: Autosomal dominant inheritance. Observed: 201 variant alleles, 201 heterozygotes. Not counted in ClinVar's aggregate classification.
Comment: This study involves interpretation of variants in research participants for the purpose of population health screening. Participant phenotype was not available at the time of variant classification. Additional details can be found in publication PMID: 35346344, PMCID: PMC8962531

Quest Diagnostics Nichols Institute San Juan Capistrano
Classification: Benign. Last evaluated: 2023-05-08. Review status: criteria provided, single submitter. Criteria: Quest Diagnostics criteria. Collection method: clinical testing. Allele origin: unknown. Not counted in ClinVar's aggregate classification.

Myriad Genetics, Inc.
Classification: Likely benign for Familial adenomatous polyposis 1. Last evaluated: 2023-02-23. Review status: criteria provided, single submitter. Criteria: Myriad Autosomal Dominant, Autosomal Recessive and X-Linked Classification Criteria (2023). Collection method: clinical testing. Allele origin: unknown. Not counted in ClinVar's aggregate classification.
Comment: This variant is considered likely benign. This variant has been observed at a population frequency that is significantly greater than expected given the associated disease prevalence and penetrance.

Genetic Services Laboratory, University of Chicago
Classification: Likely benign. Last evaluated: 2021-11-29. Review status: criteria provided, single submitter. Criteria: ACMG Guidelines, 2015. Collection method: clinical testing. Allele origin: germline. Affected: no. Not counted in ClinVar's aggregate classification.

Institute for Clinical Genetics, University Hospital TU Dresden, University Hospital TU Dresden
Classification: Uncertain significance. Last evaluated: 2021-11-03. Review status: criteria provided, single submitter. Criteria: ACMG Guidelines, 2015. Collection method: clinical testing. Allele origin: germline. Not counted in ClinVar's aggregate classification.

Sema4
Classification: Likely benign for Hereditary cancer-predisposing syndrome. Last evaluated: 2021-02-23. Review status: criteria provided, single submitter. Criteria: Sema4 Curation Guidelines. Collection method: curation. Allele origin: germline. Not counted in ClinVar's aggregate classification.

Mendelics
Classification: Likely benign for Familial adenomatous polyposis 1. Last evaluated: 2019-05-28. Review status: criteria provided, single submitter. Criteria: Mendelics Assertion Criteria 2017. Collection method: clinical testing. Allele origin: unknown. Not counted in ClinVar's aggregate classification.

Ambry Genetics
Classification: Likely benign for Hereditary cancer-predisposing syndrome. Last evaluated: 2018-06-25. Review status: criteria provided, single submitter. Criteria: Ambry Variant Classification Scheme 2023. Collection method: clinical testing. Allele origin: germline. Not counted in ClinVar's aggregate classification.

GeneDx
Classification: Likely benign. Last evaluated: 2017-11-09. Review status: criteria provided, single submitter. Criteria: GeneDx Variant Classification (06012015). Collection method: clinical testing. Allele origin: germline. Affected: yes. Not counted in ClinVar's aggregate classification.
Comment: This variant is considered likely benign or benign based on one or more of the following criteria: it is a conservative change, it occurs at a poorly conserved position in the protein, it is predicted to be benign by multiple in silico algorithms, and/or has population frequency not consistent with disease.